The following is an entry in ClinVar:

ClinVar aggregate classification (germline): Uncertain significance (1 of 4 stars; one submission).

Conditions:
Inborn genetic diseases. Identifiers: MedGen C0950123, MeSH D030342.

Submission:

Ambry Genetics
Classification: Uncertain significance for Inborn genetic diseases. Last evaluated: 2024-11-22. Review status: criteria provided, single submitter. Criteria: Ambry Variant Classification Scheme 2023. Collection method: clinical testing. Allele origin: germline.
Comment: The p.V44M variant (also known as c.130G>A), located in coding exon 2 of the ERCC6L2 gene, results from a G to A substitution at nucleotide position 130. The valine at codon 44 is replaced by methionine, an amino acid with highly similar properties. This amino acid position is conserved. In addition, this alteration is predicted to be tolerated by in silico analysis. Based on the available evidence, the clinical significance of this variant remains unclear.

NM_020207.7(ERCC6L2):c.130G>A (p.Val44Met)

Gene: ERCC6L2 (ERCC excision repair 6 like 2; plus strand). Cytogenetic location: 9q22.32.
Variant type: single nucleotide variant.
Coding change: c.130G>A on transcript NM_020207.7 (MANE Select); coding-DNA position 130, G replaced by A.
Protein change: p.Val44Met; replaces valine 44 with methionine.
Molecular consequence: missense variant. On other transcripts: non-coding transcript variant (1).
Genome position (GRCh38, 1-based): chr9:95,880,952, G>A. VCF-style: chr9-95880952-G-A. GRCh37 (hg19) VCF-style: chr9-98643234-G-A.
Other names: c.130G>A, p.Val44Met (NM_001010895.4, NM_001375291.1, NM_001375292.1 and 2 more transcripts); short protein forms V44M.
Identifiers: ClinVar variation 3509968 (VCV003509968.1).
Genomic context (GRCh38, chr9:95,880,952, plus strand): 5'-TGTCTTGCCCCTTCTCCAGATAATGGAAAACTTTGTGAAGCAAGCATAAAATCTATCACA[G>A]TGGATGAAAATGGCAAGTCATTTGCAGTCGTCTTATATGCAGATTTTCAAGAAAGGAAAA-3'
Protein context (NP_064592.3, residues 34-54): LCEASIKSIT[Val44Met]DENGKSFAVV